The following is an entry in ClinVar:

NM_030665.4(RAI1):c.707A>C (p.Tyr236Ser)

Gene: RAI1 (retinoic acid induced 1; plus strand). Cytogenetic location: 17p11.2.
Variant type: single nucleotide variant.
Coding change: c.707A>C on transcript NM_030665.4 (MANE Select); coding-DNA position 707, A replaced by C.
Protein change: p.Tyr236Ser; replaces tyrosine 236 with serine.
Molecular consequence: missense variant.
Genome position (GRCh38, 1-based): chr17:17,793,655, A>C. VCF-style: chr17-17793655-A-C. GRCh37 (hg19) VCF-style: chr17-17696969-A-C.
Other names: c.707A>C (NM_030665.3); short protein forms Y236S.
Identifiers: ClinVar variation 1442555 (VCV001442555.9), dbSNP rs780157776, ClinGen allele CA398546039.

ClinVar aggregate classification (germline): Uncertain significance. Review status: criteria provided, multiple submitters, no conflicts (2 of 4 stars). 2 submissions from 2 submitters: Uncertain significance (2). Last evaluated 2021-10-12.

Conditions:
Inborn genetic diseases. Identifiers: MedGen C0950123, MeSH D030342.

Submissions (2):

Ambry Genetics
Classification: Uncertain significance for Inborn genetic diseases. Last evaluated: 2021-10-12. Review status: criteria provided, single submitter. Criteria: Ambry Variant Classification Scheme 2023. Collection method: clinical testing. Allele origin: germline.
Comment: The c.707A>C (p.Y236S) alteration is located in exon 3 (coding exon 1) of the RAI1 gene. This alteration results from an A to C substitution at nucleotide position 707, causing the tyrosine (Y) at amino acid position 236 to be replaced by a serine (S). This variant was not reported in population-based cohorts in the Genome Aggregation Database (gnomAD). This amino acid position is not well conserved in available vertebrate species. This alteration is predicted to be tolerated by in silico analysis. Based on insufficient or conflicting evidence, the clinical significance of this alteration remains unclear.

Labcorp Genetics (formerly Invitae), Labcorp
Classification: Uncertain significance. Last evaluated: 2021-06-24. Review status: criteria provided, single submitter. Criteria: Invitae Variant Classification Sherloc (09022015). Collection method: clinical testing. Allele origin: germline.
Comment: This sequence change replaces tyrosine with serine at codon 236 of the RAI1 protein (p.Tyr236Ser). The tyrosine residue is highly conserved and there is a large physicochemical difference between tyrosine and serine. This variant is not present in population databases (ExAC no frequency). This variant has not been reported in the literature in individuals with RAI1-related conditions. Algorithms developed to predict the effect of missense changes on protein structure and function are either unavailable or do not agree on the potential impact of this missense change (SIFT: "Deleterious"; PolyPhen-2: "Possibly Damaging"; Align-GVGD: "Class C0"). In summary, the available evidence is currently insufficient to determine the role of this variant in disease. Therefore, it has been classified as a Variant of Uncertain Significance.